The following is an entry in ClinVar:

NM_001077418.3(TMEM231):c.-16C>A

Gene: TMEM231 (transmembrane protein 231; minus strand). Cytogenetic location: 16q23.1.
Variant type: single nucleotide variant.
Coding change: c.-16C>A on transcript NM_001077418.3 (MANE Select); 16 bases upstream of the start codon, C replaced by A.
Molecular consequence: 5 prime UTR variant. On other transcripts: missense variant (1), non-coding transcript variant (1).
Genome position (GRCh38, 1-based): chr16:75,556,225, G>T on the plus strand (C>A on the coding strand, the complement: TMEM231 is on the minus strand). VCF-style: chr16-75556225-G-T. GRCh37 (hg19) VCF-style: chr16-75590123-G-T.
Other names: c.47C>A, p.Ala16Asp (NM_001077416.2); short protein forms A16D.
Identifiers: ClinVar variation 2152744 (VCV002152744.4), dbSNP rs749234584, ClinGen allele CA8176329.

ClinVar aggregate classification (germline): Uncertain significance (1 of 4 stars; one submission).

Conditions:
Meckel syndrome, type 11 (MKS11). Identifiers: Orphanet 564, MedGen C3809352, MONDO:0014164, OMIM 615397.
Joubert syndrome 20 (JBTS20). Identifiers: Orphanet 475, MedGen C3554235, MONDO:0013994, OMIM 614970.

Allele frequency attached by ClinVar (database versions not stated): gnomAD 0.00001.
gnomAD v4.1: 9 of 1,392,856 alleles (0.00065%); highest among the groups gnomAD compares: African/African-American, 0.0015%; no homozygotes.

Submission:

Labcorp Genetics (formerly Invitae), Labcorp
Classification: Uncertain significance for Joubert syndrome 20; Meckel syndrome, type 11. Last evaluated: 2022-10-13. Review status: criteria provided, single submitter. Criteria: Invitae Variant Classification Sherloc (09022015). Collection method: clinical testing. Allele origin: germline.
Comment: This sequence change replaces alanine, which is neutral and non-polar, with aspartic acid, which is acidic and polar, at codon 16 of the TMEM231 protein (p.Ala16Asp). In summary, the available evidence is currently insufficient to determine the role of this variant in disease. Therefore, it has been classified as a Variant of Uncertain Significance. Algorithms developed to predict the effect of missense changes on protein structure and function are either unavailable or do not agree on the potential impact of this missense change (SIFT: "Deleterious"; PolyPhen-2: "Not Available"; Align-GVGD: "Class C0"). This variant has not been reported in the literature in individuals affected with TMEM231-related conditions. This variant is present in population databases (rs749234584, gnomAD no frequency).